The following is an entry in ClinVar:

NM_014874.4(MFN2):c.572T>C (p.Leu191Pro)

Gene: MFN2 (mitofusin 2; plus strand). Cytogenetic location: 1p36.22.
Variant type: single nucleotide variant.
Coding change: c.572T>C on transcript NM_014874.4 (MANE Select); coding-DNA position 572, T replaced by C.
Protein change: p.Leu191Pro; replaces leucine 191 with proline.
Molecular consequence: missense variant.
Genome position (GRCh38, 1-based): chr1:11,997,394, T>C. VCF-style: chr1-11997394-T-C. GRCh37 (hg19) VCF-style: chr1-12057451-T-C.
Other names: c.572T>C, p.Leu191Pro (NM_001127660.2); short protein forms L191P.
Identifiers: ClinVar variation 246494 (VCV000246494.3), dbSNP rs879254288, ClinGen allele CA10584096.

ClinVar aggregate classification (germline): Uncertain significance. Review status: criteria provided, single submitter (1 of 4 stars). 2 submissions from 2 submitters: Uncertain significance (1). 1 of the submissions does not count toward it. Last evaluated 2017-12-14.

Conditions:
Charcot-Marie-Tooth disease. Also called: Charcot-Marie-Tooth Neuropathy; Charcot-Marie-Tooth Hereditary Neuropathy. Identifiers: Orphanet 166, MedGen C0007959, MONDO:0015626.

Submissions (2):

GeneDx
Classification: Uncertain significance. Last evaluated: 2017-12-14. Review status: criteria provided, single submitter. Criteria: GeneDx Variant Classification (06012015). Collection method: clinical testing. Allele origin: germline. Affected: yes.
Comment: The L191P variant hasnot been published as a pathogenic variant, nor has it been reported as a benign variant to ourknowledge. It was not observed in approximately 6,500 individuals of European and AfricanAmerican ancestry in the NHLBI Exome Sequencing Project, indicating it is not a common benignvariant in these populations. The L191P variant is a semi-conservative amino acid substitution,which may impact secondary protein structure as these residues differ in some properties. Thissubstitution occurs at a conserved position predicted to be within the GTPase domain of theMFN2 protein (Choi et al., 2015). Additionally, in silico analysis predicts this variant is probablydamaging to the protein structure/function. Based on the currently available information, it isunclear whether this variant is a pathogenic variant or a rare benign variant.

Inherited Neuropathy Consortium
Classification: Likely pathogenic for Charcot-Marie-Tooth disease. Review status: no assertion criteria provided. Collection method: research. Allele origin: inherited. Affected: yes. Not counted in ClinVar's aggregate classification.